The following is an entry in ClinVar:

NM_033004.4(NLRP1):c.2147T>C (p.Leu716Pro)

Gene: NLRP1 (NLR family pyrin domain containing 1; minus strand). Cytogenetic location: 17p13.2.
Variant type: single nucleotide variant.
Coding change: c.2147T>C on transcript NM_033004.4 (MANE Select); coding-DNA position 2147, T replaced by C.
Protein change: p.Leu716Pro; replaces leucine 716 with proline.
Molecular consequence: missense variant.
Genome position (GRCh38, 1-based): chr17:5,558,549, A>G on the plus strand (T>C on the coding strand, the complement: NLRP1 is on the minus strand). VCF-style: chr17-5558549-A-G. GRCh37 (hg19) VCF-style: chr17-5461869-A-G.
Other names: c.2147T>C, p.Leu716Pro (NM_001033053.3, NM_014922.5, NM_033006.4 and 1 more transcripts); short protein forms L716P.
Identifiers: ClinVar variation 1929485 (VCV001929485.5), dbSNP rs201817755, ClinGen allele CA8327244.

ClinVar aggregate classification (germline): Uncertain significance (1 of 4 stars; one submission).

Allele frequency attached by ClinVar (database versions not stated): ExAC 0.00001; gnomAD 0.00001; TOPMed 0.00001; gnomAD exomes 0.00002; ESP Exome Variant Server 0.00008.
gnomAD v4.1: 20 of 1,613,958 alleles (0.0012%); highest among the groups gnomAD compares: Non-Finnish European, 0.0016%; no homozygotes.

Submission:

Labcorp Genetics (formerly Invitae), Labcorp
Classification: Uncertain significance. Last evaluated: 2025-08-04. Review status: criteria provided, single submitter. Criteria: Invitae Variant Classification Sherloc (09022015). Collection method: clinical testing. Allele origin: germline.
Comment: This sequence change replaces leucine, which is neutral and non-polar, with proline, which is neutral and non-polar, at codon 716 of the NLRP1 protein (p.Leu716Pro). This variant is present in population databases (rs201817755, gnomAD 0.0009%). This variant has not been reported in the literature in individuals affected with NLRP1-related conditions. ClinVar contains an entry for this variant (Variation ID: 1929485). An algorithm developed to predict the effect of missense changes on protein structure and function (PolyPhen-2) suggests that this variant is likely to be disruptive. In summary, the available evidence is currently insufficient to determine the role of this variant in disease. Therefore, it has been classified as a Variant of Uncertain Significance.